The following is an entry in ClinVar:

ClinVar aggregate classification (germline): Uncertain significance (1 of 4 stars; one submission).

Allele frequency attached by ClinVar (database versions not stated): TOPMed below 0.00001; gnomAD 0.00001.
gnomAD v4.1: 5 of 1,354,918 alleles (0.00037%); highest among the groups gnomAD compares: Non-Finnish European, 0.00048%; no homozygotes.

Submission:

Mayo Clinic Laboratories, Mayo Clinic
Classification: Uncertain significance. Last evaluated: 2022-02-09. Review status: criteria provided, single submitter. Criteria: ACMG Guidelines, 2015. Collection method: clinical testing. Allele origin: germline. Observed: 1 variant allele.
Comment: BP4, PM2

NM_004715.5(CTDP1):c.34G>C (p.Glu12Gln)

Gene: CTDP1 (CTD phosphatase subunit 1; plus strand). Cytogenetic location: 18q23.
Variant type: single nucleotide variant.
Coding change: c.34G>C on transcript NM_004715.5 (MANE Select); coding-DNA position 34, G replaced by C.
Protein change: p.Glu12Gln; replaces glutamic acid 12 with glutamine.
Molecular consequence: missense variant.
Genome position (GRCh38, 1-based): chr18:79,679,981, G>C. VCF-style: chr18-79679981-G-C. GRCh37 (hg19) VCF-style: chr18-77439981-G-C.
Other names: p.Glu12Gln; c.34G>C, p.Glu12Gln (NM_001318511.2, NM_048368.4); short protein forms E12Q.
Identifiers: ClinVar variation 2683461 (VCV002683461.1), dbSNP rs1268091561, ClinGen allele CA402824821.